The following is an entry in ClinVar:

NM_001130144.3(LTBP3):c.1646C>T (p.Pro549Leu)

Gene: LTBP3 (latent transforming growth factor beta binding protein 3; minus strand). Cytogenetic location: 11q13.1.
Variant type: single nucleotide variant.
Coding change: c.1646C>T on transcript NM_001130144.3 (MANE Select); coding-DNA position 1646, C replaced by T.
Protein change: p.Pro549Leu; replaces proline 549 with leucine.
Molecular consequence: missense variant.
Genome position (GRCh38, 1-based): chr11:65,551,200, G>A on the plus strand (C>T on the coding strand, the complement: LTBP3 is on the minus strand). VCF-style: chr11-65551200-G-A. GRCh37 (hg19) VCF-style: chr11-65318671-G-A.
Other names: c.1295C>T, p.Pro432Leu (NM_001164266.1); c.1646C>T, p.Pro549Leu (NM_021070.4); short protein forms P432L, P549L.
Identifiers: ClinVar variation 3715417 (VCV003715417.2).

ClinVar aggregate classification (germline): Uncertain significance (1 of 4 stars; one submission).

Conditions:
Brachyolmia-amelogenesis imperfecta syndrome. Also called: PLATYSPONDYLY WITH AMELOGENESIS IMPERFECTA; Tooth agenesis, selective, 6; Dental anomalies and short stature. Identifiers: Orphanet 2899, MedGen C1832594, MONDO:0011018, OMIM 601216. Disease mechanism: loss of function.

gnomAD v4.1: 10 of 1,549,546 alleles (0.00065%); highest among the groups gnomAD compares: East Asian, 0.022%; no homozygotes.

Submission:

Labcorp Genetics (formerly Invitae), Labcorp
Classification: Uncertain significance for Brachyolmia-amelogenesis imperfecta syndrome. Last evaluated: 2026-01-01. Review status: criteria provided, single submitter. Criteria: Invitae Variant Classification Sherloc (09022015). Collection method: clinical testing. Allele origin: germline.
Comment: This sequence change replaces proline, which is neutral and non-polar, with leucine, which is neutral and non-polar, at codon 549 of the LTBP3 protein (p.Pro549Leu). This variant is present in population databases (rs770492133, gnomAD 0.08%). This variant has not been reported in the literature in individuals affected with LTBP3-related conditions. ClinVar contains an entry for this variant (Variation ID: 3715417). An algorithm developed to predict the effect of missense changes on protein structure and function (PolyPhen-2) suggests that this variant is likely to be tolerated. In summary, the available evidence is currently insufficient to determine the role of this variant in disease. Therefore, it has been classified as a Variant of Uncertain Significance.